The following is an entry in ClinVar:

NM_021020.5(LZTS1):c.31C>A (p.His11Asn)

Gene: LZTS1 (leucine zipper tumor suppressor 1; minus strand). Cytogenetic location: 8p21.3.
Variant type: single nucleotide variant.
Coding change: c.31C>A on transcript NM_021020.5 (MANE Select); coding-DNA position 31, C replaced by A.
Protein change: p.His11Asn; replaces histidine 11 with asparagine.
Molecular consequence: missense variant.
Genome position (GRCh38, 1-based): chr8:20,255,151, G>T on the plus strand (C>A on the coding strand, the complement: LZTS1 is on the minus strand). VCF-style: chr8-20255151-G-T. GRCh37 (hg19) VCF-style: chr8-20112662-G-T.
Other names: c.31C>A, p.His11Asn (NM_001362884.2); short protein forms H11N.
Identifiers: ClinVar variation 2715575 (VCV002715575.3), dbSNP rs1161466027, ClinGen allele CA370479163.

ClinVar aggregate classification (germline): Uncertain significance (1 of 4 stars; one submission).

gnomAD v4.1: 2 of 1,613,810 alleles (0.00012%); highest among the groups gnomAD compares: Non-Finnish European, 0.00017%; no homozygotes.

Submission:

Labcorp Genetics (formerly Invitae), Labcorp
Classification: Uncertain significance. Last evaluated: 2023-06-15. Review status: criteria provided, single submitter. Criteria: Invitae Variant Classification Sherloc (09022015). Collection method: clinical testing. Allele origin: germline.
Comment: This sequence change replaces histidine, which is basic and polar, with asparagine, which is neutral and polar, at codon 11 of the LZTS1 protein (p.His11Asn). This variant is not present in population databases (gnomAD no frequency). This variant has not been reported in the literature in individuals affected with LZTS1-related conditions. An algorithm developed to predict the effect of missense changes on protein structure and function (PolyPhen-2) suggests that this variant is likely to be disruptive. In summary, the available evidence is currently insufficient to determine the role of this variant in disease. Therefore, it has been classified as a Variant of Uncertain Significance.